The following is an entry in ClinVar:

NM_000245.4(MET):c.3077A>G (p.Tyr1026Cys)

Gene: MET (MET proto-oncogene, receptor tyrosine kinase; plus strand). Cytogenetic location: 7q31.2.
Variant type: single nucleotide variant.
Coding change: c.3077A>G on transcript NM_000245.4 (MANE Select); coding-DNA position 3077, A replaced by G.
Protein change: p.Tyr1026Cys; replaces tyrosine 1026 with cysteine.
Molecular consequence: missense variant.
Genome position (GRCh38, 1-based): chr7:116,774,929, A>G. VCF-style: chr7-116774929-A-G. GRCh37 (hg19) VCF-style: chr7-116414983-A-G.
Other names: c.3131A>G, p.Tyr1044Cys (NM_001127500.3); c.1787A>G, p.Tyr596Cys (NM_001324402.2); short protein forms Y1044C, Y596C, Y1026C.
Identifiers: ClinVar variation 4648153 (VCV004648153.1).

ClinVar aggregate classification (germline): Uncertain significance (1 of 4 stars; one submission).

Conditions:
Hereditary cancer-predisposing syndrome. Also called: Neoplastic Syndromes, Hereditary; Tumor predisposition; Hereditary Cancer Syndrome; Hereditary neoplastic syndrome. Identifiers: Orphanet 140162, MedGen C0027672, MeSH D009386, MONDO:0015356.

Submission:

Ambry Genetics
Classification: Uncertain significance for Hereditary cancer-predisposing syndrome. Last evaluated: 2025-11-25. Review status: criteria provided, single submitter. Criteria: Ambry Variant Classification Scheme 2023. Collection method: clinical testing. Allele origin: germline.
Comment: The p.Y1044C variant (also known as c.3131A>G), located in coding exon 14 of the MET gene, results from an A to G substitution at nucleotide position 3131. The tyrosine at codon 1044 is replaced by cysteine, an amino acid with highly dissimilar properties. This amino acid position is conserved. In addition, this alteration is predicted to be deleterious by in silico analysis. Based on the available evidence, the clinical significance of this variant remains unclear.